The following is an entry in ClinVar:

NM_206933.4(USH2A):c.10817T>C (p.Leu3606Pro)

Gene: USH2A (usherin; minus strand). Cytogenetic location: 1q41.
Variant type: single nucleotide variant.
Coding change: c.10817T>C on transcript NM_206933.4 (MANE Select); coding-DNA position 10817, T replaced by C.
Protein change: p.Leu3606Pro; replaces leucine 3606 with proline.
Molecular consequence: missense variant.
Genome position (GRCh38, 1-based): chr1:215,779,965, A>G on the plus strand (T>C on the coding strand, the complement: USH2A is on the minus strand). VCF-style: chr1-215779965-A-G. GRCh37 (hg19) VCF-style: chr1-215953307-A-G.
Other names: short protein forms L3606P.
Identifiers: ClinVar variation 1707882 (VCV001707882.11), dbSNP rs1402464909, ClinGen allele CA344834094.
Genomic context (GRCh38, chr1:215,779,965, plus strand): 5'-CTGATCTGGTACTCTTTAATGACGCCGTTTGATTTCTCAGGGACACTCCAGCTCAGATGC[A>G]GAGCCACTGCACTTAGGGCTGTGATGCTTGGTGGCAGGATGCTCTCCGGAACTCCTTGGG-3'
Protein context (NP_996816.3, residues 3596-3616): PSITALSAVA[Leu3606Pro]HLSWSVPEKS

ClinVar aggregate classification (germline): Conflicting classifications of pathogenicity. Review status: criteria provided, conflicting classifications (1 of 4 stars). 6 submissions from 6 submitters: Pathogenic (3); Likely pathogenic (2); Uncertain significance (1). Last evaluated 2025-12-01.

Conditions:
Usher syndrome. Also called: Usher Syndromes; Usher's syndrome. Identifiers: Orphanet 886, MedGen CN469326, MeSH D052245, MONDO:0019501. Disease mechanism: loss of function.
Retinitis pigmentosa 39 (RP39). Identifiers: Orphanet 791, MedGen C3151138, MONDO:0013436, OMIM 613809.
USH2A-related disorder. Also called: USH2A-related disorders; USH2A-related condition. Identifiers: MedGen CN239332.
Usher syndrome type 2A. Also called: RETINAL DISEASE IN USHER SYNDROME TYPE IIA, MODIFIER OF; USHER SYNDROME, TYPE IIA. Identifiers: Orphanet 231178, Orphanet 886, MedGen C1848634, MONDO:0010169, OMIM 276901.

Allele frequency attached by ClinVar (database versions not stated): gnomAD exomes below 0.00001.
gnomAD v4.1: 2 of 1,614,146 alleles (0.00012%); highest among the groups gnomAD compares: Non-Finnish European, 0.00017%; no homozygotes.

Submissions (6):

Labcorp Genetics (formerly Invitae), Labcorp
Classification: Pathogenic. Last evaluated: 2025-12-01. Review status: criteria provided, single submitter. Criteria: Invitae Variant Classification Sherloc (09022015). Collection method: clinical testing. Allele origin: germline.
Comment: This sequence change replaces leucine, which is neutral and non-polar, with proline, which is neutral and non-polar, at codon 3606 of the USH2A protein (p.Leu3606Pro). This variant is present in population databases (no rsID available, gnomAD 0.0009%). This missense change has been observed in individual(s) with USH2A-related conditions (PMID: 20507924, 27460420, 33576794). In at least one individual the data is consistent with being in trans (on the opposite chromosome) from a pathogenic variant. ClinVar contains an entry for this variant (Variation ID: 1707882). Invitae Evidence Modeling of protein sequence and biophysical properties (such as structural, functional, and spatial information, amino acid conservation, physicochemical variation, residue mobility, and thermodynamic stability) indicates that this missense variant is expected to disrupt USH2A protein function with a positive predictive value of 95%. For these reasons, this variant has been classified as Pathogenic.

Blueprint Genetics
Classification: Pathogenic for USH2A-related disorders. Last evaluated: 2024-10-03. Review status: criteria provided, single submitter. Criteria: ACMG Guidelines, 2015. Collection method: clinical testing. Allele origin: germline. Affected: yes. Observed: 2 variant alleles.

Fulgent Genetics
Classification: Likely pathogenic for Usher syndrome type 2A; Retinitis pigmentosa 39. Last evaluated: 2024-06-14. Review status: criteria provided, single submitter. Criteria: ACMG Guidelines, 2015. Collection method: clinical testing. Allele origin: germline.

Women's Health and Genetics/Laboratory Corporation of America, LabCorp
Classification: Likely pathogenic for Usher syndrome. Last evaluated: 2024-06-11. Review status: criteria provided, single submitter. Criteria: LabCorp Variant Classification Summary - May 2015. Collection method: clinical testing. Allele origin: germline.
Comment: Variant summary: USH2A c.10817T>C (p.Leu3606Pro) results in a non-conservative amino acid change located in the Fibronectin type III domain (IPR003961) of the encoded protein sequence. Five of five in-silico tools predict a damaging effect of the variant on protein function. The variant allele was found at a frequency of 4e-06 in 251370 control chromosomes. c.10817T>C has been reported in the literature in compound heterozygous individuals affected with Usher Syndrome or Non-syndromic Retinitis Pigmentosa (Bonnet_2016, Colombo_2021, Falsini_2021, McGee_2010, Karali_2022, Reurink_2023). However, in some cases, the second allele was not specified. These data indicate that the variant is likely to be associated with disease. To our knowledge, no experimental evidence demonstrating an impact on protein function has been reported. The following publications have been ascertained in the context of this evaluation (PMID: 27460420, 33576794, 33535592, 36460718, 20507924, 36785559). ClinVar contains an entry for this variant (Variation ID: 1707882). Based on the evidence outlined above, the variant was classified as likely pathogenic.

Baylor Genetics
Classification: Pathogenic for Retinitis pigmentosa 39. Last evaluated: 2023-07-24. Review status: criteria provided, single submitter. Criteria: ACMG Guidelines, 2015. Collection method: clinical testing. Allele origin: unknown.

GeneDx
Classification: Uncertain significance. Last evaluated: 2022-04-01. Review status: criteria provided, single submitter. Criteria: GeneDx Variant Classification Process June 2021. Collection method: clinical testing. Allele origin: germline. Affected: yes.
Comment: Not observed at significant frequency in large population cohorts (gnomAD); In silico analysis supports that this missense variant has a deleterious effect on protein structure/function; This variant is associated with the following publications: (PMID: 20507924, 33535592, 27460420, 33576794)

Literature cited by the submitters: PubMed 20507924 (cited by Labcorp Genetics (formerly Invitae), Labcorp and Women's Health and Genetics/Laboratory Corporation of America, LabCorp); PubMed 27460420 (cited by Labcorp Genetics (formerly Invitae), Labcorp and Women's Health and Genetics/Laboratory Corporation of America, LabCorp); PubMed 33576794 (cited by Labcorp Genetics (formerly Invitae), Labcorp and Women's Health and Genetics/Laboratory Corporation of America, LabCorp); PubMed 36460718 (cited by Women's Health and Genetics/Laboratory Corporation of America, LabCorp); PubMed 36785559 (cited by Women's Health and Genetics/Laboratory Corporation of America, LabCorp); PubMed 33535592 (cited by Women's Health and Genetics/Laboratory Corporation of America, LabCorp).